The following is an entry in ClinVar:

ClinVar aggregate classification (germline): Uncertain significance. Review status: criteria provided, multiple submitters, no conflicts (2 of 4 stars). 2 submissions from 2 submitters: Uncertain significance (2). Last evaluated 2025-02-04.

Conditions:
Primary dilated cardiomyopathy (DCM). Also called: Dilated Cardiomyopathy. Identifiers: Orphanet 217604, MedGen C0007193, MeSH D002311, MONDO:0005021, HP:0001644. Inheritance: Various modes of inheritance.

Allele frequency attached by ClinVar (database versions not stated): TOPMed below 0.00001; gnomAD 0.00001; ExAC 0.00002; gnomAD exomes 0.00002 and 0.00005.
gnomAD v4.1: 72 of 1,602,212 alleles (0.0045%); highest among the groups gnomAD compares: Non-Finnish European, 0.0061%; no homozygotes.

Submissions (2):

Labcorp Genetics (formerly Invitae), Labcorp
Classification: Uncertain significance for Primary dilated cardiomyopathy. Last evaluated: 2025-02-04. Review status: criteria provided, single submitter. Criteria: Invitae Variant Classification Sherloc (09022015). Collection method: clinical testing. Allele origin: germline.
Comment: This sequence change replaces glutamic acid, which is acidic and polar, with lysine, which is basic and polar, at codon 382 of the NEBL protein (p.Glu382Lys). This variant is present in population databases (rs749629919, gnomAD 0.004%). This variant has not been reported in the literature in individuals affected with NEBL-related conditions. ClinVar contains an entry for this variant (Variation ID: 841172). An algorithm developed to predict the effect of missense changes on protein structure and function (PolyPhen-2) suggests that this variant is likely to be tolerated. In summary, the available evidence is currently insufficient to determine the role of this variant in disease. Therefore, it has been classified as a Variant of Uncertain Significance.

Ambry Genetics
Classification: Uncertain significance. Last evaluated: 2024-05-22. Review status: criteria provided, single submitter. Criteria: Ambry Variant Classification Scheme 2023. Collection method: clinical testing. Allele origin: germline.
Comment: The p.E382K variant (also known as c.1144G>A), located in coding exon 12 of the NEBL gene, results from a G to A substitution at nucleotide position 1144. The glutamic acid at codon 382 is replaced by lysine, an amino acid with similar properties. This amino acid position is conserved. In addition, this alteration is predicted to be tolerated by in silico analysis. Based on the available evidence, the clinical significance of this variant remains unclear.

NM_006393.3(NEBL):c.1144G>A (p.Glu382Lys)

Gene: NEBL (nebulette; minus strand). Cytogenetic location: 10p12.31.
Variant type: single nucleotide variant.
Coding change: c.1144G>A on transcript NM_006393.3 (MANE Select); coding-DNA position 1144, G replaced by A.
Protein change: p.Glu382Lys; replaces glutamic acid 382 with lysine.
Molecular consequence: missense variant. On other transcripts: intron variant (9).
Genome position (GRCh38, 1-based): chr10:20,845,341, C>T on the plus strand (G>A on the coding strand, the complement: NEBL is on the minus strand). VCF-style: chr10-20845341-C-T. GRCh37 (hg19) VCF-style: chr10-21134270-C-T.
Other names: c.250-32401G>A (NM_001377326.1, NM_001377327.1, NM_001377328.1); c.358-32401G>A (NM_213569.2, NM_001173484.2, NM_001377322.1); c.301-32401G>A (NM_001377324.1); c.292-32401G>A (NM_001377325.1); c.310-32401G>A (NM_001377323.1); short protein forms E382K.
Identifiers: ClinVar variation 841172 (VCV000841172.11), dbSNP rs749629919, ClinGen allele CA5432959.